The following is an entry in ClinVar:

NM_001267550.2(TTN):c.87253del (p.Lys29086fs)

Genes: TTN (titin; minus strand), TTN-AS1 (TTN antisense RNA 1; plus strand). Cytogenetic location: 2q31.2.
Variant type: Deletion.
Coding change: c.87253del on transcript NM_001267550.2 (MANE Select); coding-DNA position 87253, one base deleted (C; older notation c.87253delC).
Protein change: p.Lys29086fs; shifts the reading frame from lysine 29086.
Molecular consequence: frameshift variant.
Genome position (GRCh38, 1-based): chr2:178,558,101, G deleted on the plus strand (C on the coding strand, the reverse complement: TTN is on the minus strand); the first of 5 consecutive G bases (chr2:178,558,101-178,558,105); deleting any one gives the same sequence. VCF-style (leftmost placement, unchanged base first): chr2-178558100-AG-A. GRCh37 (hg19) VCF-style: chr2-179422827-AG-A.
Other names: c.82330del, p.Lys27445fs (NM_001256850.1); c.60058del, p.Lys20021fs (NM_003319.4); c.79549del, p.Lys26518fs (NM_133378.4); c.60433del, p.Lys20146fs (NM_133432.3); c.60634del, p.Lys20213fs (NM_133437.4); short protein forms K26518fs, K20021fs, K20213fs, K29086fs, K20146fs, K27445fs.
Identifiers: ClinVar variation 1515608 (VCV001515608.6), dbSNP rs2154156150, ClinGen allele CA2573134150.

ClinVar aggregate classification (germline): Likely pathogenic (1 of 4 stars; one submission).

Conditions:
Dilated cardiomyopathy 1G (CMD1G). Identifiers: Orphanet 154, MedGen C1858763, MONDO:0011400, OMIM 604145.
Autosomal recessive limb-girdle muscular dystrophy type 2J (LGMDR10). Also called: Limb-girdle muscular dystrophy, type 2J; MUSCULAR DYSTROPHY, LIMB-GIRDLE, AUTOSOMAL RECESSIVE 10. Identifiers: Orphanet 140922, MedGen C1837342, MONDO:0012127, OMIM 608807.

Submission:

Labcorp Genetics (formerly Invitae), Labcorp
Classification: Likely pathogenic for Dilated cardiomyopathy 1G; Autosomal recessive limb-girdle muscular dystrophy type 2J. Last evaluated: 2021-10-20. Review status: criteria provided, single submitter. Criteria: Invitae Variant Classification Sherloc (09022015). Collection method: clinical testing. Allele origin: germline.
Comment: This variant is located in the A band of TTN (PMID: 25589632). Truncating variants in this region are significantly overrepresented in patients affected with dilated cardiomyopathy (PMID: 25589632). Truncating variants in this region have also been reported in individuals affected with autosomal recessive centronuclear myopathy (PMID: 23975875). This sequence change creates a premature translational stop signal (p.Lys29086Argfs*4) in the TTN gene. While this is not anticipated to result in nonsense mediated decay, it is expected to create a truncated TTN protein. In summary, the currently available evidence indicates that the variant is pathogenic, but additional data are needed to prove that conclusively. Therefore, this variant has been classified as Likely Pathogenic. This variant has not been reported in the literature in individuals affected with TTN-related conditions. This variant is not present in population databases (ExAC no frequency).

Literature cited by the submitters: PubMed 25589632; PubMed 23975875.